The following is an entry in ClinVar:

ClinVar aggregate classification (germline): Uncertain significance. Review status: criteria provided, multiple submitters, no conflicts (2 of 4 stars). 2 submissions from 2 submitters: Uncertain significance (2). Last evaluated 2025-06-27.

Conditions:
Mevalonic aciduria (MEVA). Identifiers: Orphanet 29, MedGen C1959626, MONDO:0012481, OMIM 610377.
Porokeratosis 3, disseminated superficial actinic type (POROK3). Also called: POROKERATOSIS 3, MULTIPLE TYPES; POROKERATOSIS 3, MIBELLI TYPE; POROKERATOSIS, DISSEMINATED SUPERFICIAL ACTINIC, 1. Identifiers: MedGen C1867981, MONDO:0008293, OMIM 175900.
Hyperimmunoglobulin D with periodic fever (HIDS). Also called: Hyperimmunoglobulinemia D with periodic fever; Hyperimmunoglobulinemia D; HYPERIMMUNOGLOBULINEMIA D AND PERIODIC FEVER SYNDROME. Identifiers: Orphanet 343, MedGen C0398691, MONDO:0009849, OMIM 260920.

Submissions (2):

Labcorp Genetics (formerly Invitae), Labcorp
Classification: Uncertain significance for Mevalonic aciduria; Hyperimmunoglobulin D with periodic fever; Porokeratosis 3, disseminated superficial actinic type. Last evaluated: 2025-06-27. Review status: criteria provided, single submitter. Criteria: Invitae Variant Classification Sherloc (09022015). Collection method: clinical testing. Allele origin: germline.
Comment: This sequence change replaces proline, which is neutral and non-polar, with serine, which is neutral and polar, at codon 11 of the MVK protein (p.Pro11Ser). This variant is not present in population databases (gnomAD no frequency). This missense change has been observed in individual(s) with porokeratosis (PMID: 26794421). Invitae Evidence Modeling of protein sequence and biophysical properties (such as structural, functional, and spatial information, amino acid conservation, physicochemical variation, residue mobility, and thermodynamic stability) indicates that this missense variant is expected to disrupt MVK protein function with a positive predictive value of 95%. In summary, the available evidence is currently insufficient to determine the role of this variant in disease. Therefore, it has been classified as a Variant of Uncertain Significance.

Women's Health and Genetics/Laboratory Corporation of America, LabCorp
Classification: Uncertain significance. Last evaluated: 2025-05-28. Review status: criteria provided, single submitter. Criteria: LabCorp Variant Classification Summary - May 2015. Collection method: clinical testing. Allele origin: germline.
Comment: Variant summary: MVK c.31C>T (p.Pro11Ser) results in a non-conservative amino acid change in the encoded protein sequence. Algorithms developed to predict the effect of missense changes on protein structure and function all suggest that this variant is likely to be disruptive. The variant was absent in 243696 control chromosomes. The available data on variant occurrences in the general population are insufficient to allow any conclusion about variant significance. c.31C>T has been observed in individual(s) affected with Porokeratosis 3, disseminated superficial actinic type (Liu_2016). These report(s) do not provide unequivocal conclusions about association of the variant with Porokeratosis 3, disseminated superficial actinic type. To our knowledge, no experimental evidence demonstrating an impact on protein function has been reported. The following publication have been ascertained in the context of this evaluation (PMID: 26794421). No submitters have cited clinical-significance assessments for this variant to ClinVar. Based on the evidence outlined above, the variant was classified as uncertain significance.

Literature cited by the submitters: PubMed 26794421 (cited by Labcorp Genetics (formerly Invitae), Labcorp and Women's Health and Genetics/Laboratory Corporation of America, LabCorp).

NM_000431.4(MVK):c.31C>T (p.Pro11Ser)

Gene: MVK (mevalonate kinase; plus strand). Cytogenetic location: 12q24.11.
Variant type: single nucleotide variant.
Coding change: c.31C>T on transcript NM_000431.4 (MANE Select); coding-DNA position 31, C replaced by T.
Protein change: p.Pro11Ser; replaces proline 11 with serine.
Molecular consequence: missense variant. On other transcripts: non-coding transcript variant (4), intron variant (1).
Genome position (GRCh38, 1-based): chr12:109,574,853, C>T. VCF-style: chr12-109574853-C-T. GRCh37 (hg19) VCF-style: chr12-110012658-C-T.
Other names: c.31C>T, p.Pro11Ser (NM_001114185.3, NM_001301182.2, NM_001414511.1 and 3 more transcripts); c.-505+980C>T (NM_001414515.1); short protein forms P11S.
Identifiers: ClinVar variation 3902632 (VCV003902632.2).